The following is an entry in ClinVar:

NM_002843.4(PTPRJ):c.447C>T (p.Tyr149=)

Gene: PTPRJ (protein tyrosine phosphatase receptor type J; plus strand). Cytogenetic location: 11p11.2.
Variant type: single nucleotide variant.
Coding change: c.447C>T on transcript NM_002843.4 (MANE Select); coding-DNA position 447, C replaced by T.
Protein change: p.Tyr149=; no amino-acid change (tyrosine 149 retained).
Molecular consequence: synonymous variant.
Genome position (GRCh38, 1-based): chr11:48,121,097, C>T. VCF-style: chr11-48121097-C-T. GRCh37 (hg19) VCF-style: chr11-48142649-C-T.
Other names: c.447C>T, p.Tyr149= (NM_001098503.2).
Identifiers: ClinVar variation 2641772 (VCV002641772.24), dbSNP rs1430322394, ClinGen allele CA474236693.

ClinVar aggregate classification (germline): Likely benign (1 of 4 stars; one submission).

Allele frequency attached by ClinVar (database versions not stated): gnomAD exomes below 0.00001; TOPMed below 0.00001.
gnomAD v4.1: 2 of 1,613,652 alleles (0.00012%); highest among the groups gnomAD compares: Middle Eastern, 0.016%; no homozygotes.

Submission:

CeGaT Center for Human Genetics Tuebingen
Classification: Likely benign. Last evaluated: 2022-05-01. Review status: criteria provided, single submitter. Criteria: CeGaT Center For Human Genetics Tuebingen Variant Classification Criteria Version 2. Collection method: clinical testing. Allele origin: germline. Affected: yes. Observed: 1 variant allele.
Comment: PTPRJ: PM2:Supporting, BP4, BP7